The following is an entry in ClinVar:

ClinVar aggregate classification (germline): Uncertain significance (1 of 4 stars; one submission).

Conditions:
Hereditary cancer-predisposing syndrome. Also called: Neoplastic Syndromes, Hereditary; Tumor predisposition; Hereditary neoplastic syndrome; Hereditary Cancer Syndrome. Identifiers: Orphanet 140162, MedGen C0027672, MeSH D009386, MONDO:0015356.

Submission:

Ambry Genetics
Classification: Uncertain significance for Hereditary cancer-predisposing syndrome. Last evaluated: 2022-12-12. Review status: criteria provided, single submitter. Criteria: Ambry Variant Classification Scheme 2023. Collection method: clinical testing. Allele origin: germline.
Comment: The p.S1290P variant (also known as c.3868T>C), located in coding exon 23 of the PTCH1 gene, results from a T to C substitution at nucleotide position 3868. The serine at codon 1290 is replaced by proline, an amino acid with similar properties. This amino acid position is conserved. In addition, this alteration is predicted to be tolerated by in silico analysis. Since supporting evidence is limited at this time, the clinical significance of this alteration remains unclear.

NM_000264.5(PTCH1):c.3868T>C (p.Ser1290Pro)

Gene: PTCH1 (patched 1; minus strand). Cytogenetic location: 9q22.32.
Variant type: single nucleotide variant.
Coding change: c.3868T>C on transcript NM_000264.5 (MANE Select); coding-DNA position 3868, T replaced by C.
Protein change: p.Ser1290Pro; replaces serine 1290 with proline.
Molecular consequence: missense variant. On other transcripts: non-coding transcript variant (1).
Genome position (GRCh38, 1-based): chr9:95,447,388, A>G on the plus strand (T>C on the coding strand, the complement: PTCH1 is on the minus strand). VCF-style: chr9-95447388-A-G. GRCh37 (hg19) VCF-style: chr9-98209670-A-G.
Other names: c.3670T>C, p.Ser1224Pro (NM_001083602.3); c.3865T>C, p.Ser1289Pro (NM_001083603.3); c.3415T>C, p.Ser1139Pro (NM_001083604.3, NM_001083605.3, NM_001083606.3 and 1 more transcripts); c.3712T>C, p.Ser1238Pro (NM_001354918.2); short protein forms S1139P, S1224P, S1238P, S1289P, S1290P.
Identifiers: ClinVar variation 3231030 (VCV003231030.1), dbSNP rs2136583606, ClinGen allele CA374110755.